The following is an entry in ClinVar:

NM_001370259.2(MEN1):c.185C>T (p.Thr62Ile)

Gene: MEN1 (menin 1; minus strand). Cytogenetic location: 11q13.1.
Variant type: single nucleotide variant.
Coding change: c.185C>T on transcript NM_001370259.2 (MANE Select); coding-DNA position 185, C replaced by T.
Protein change: p.Thr62Ile; replaces threonine 62 with isoleucine.
Molecular consequence: missense variant. On other transcripts: non-coding transcript variant (4).
Genome position (GRCh38, 1-based): chr11:64,809,925, G>A on the plus strand (C>T on the coding strand, the complement: MEN1 is on the minus strand). VCF-style: chr11-64809925-G-A. GRCh37 (hg19) VCF-style: chr11-64577397-G-A.
Other names: c.185C>T, p.Thr62Ile (NM_000244.4, NM_001370251.2, NM_001370260.2 and 20 more transcripts); short protein forms T62I.
Identifiers: ClinVar variation 4800435 (VCV004800435.1).
Genomic context (GRCh38, chr11:64,809,925, plus strand): 5'-TCGGCCACGGGAAAGTAGGTGAGGCCGCCAGGCGGGTCGGGGGCGGGGCTGGGCTGGAAG[G>A]TGAGCTCGGGAACGTTGGTAGGGATGACGCGGTTGACAGCCAGAAAATGCTCCACGAAGC-3'
Protein context (NP_001357188.2, residues 52-72): RVIPTNVPEL[Thr62Ile]FQPSPAPDPP

ClinVar aggregate classification (germline): Uncertain significance (1 of 4 stars; one submission).

Conditions:
Multiple endocrine neoplasia, type 1 (MEN1). Also called: MEA I; MEN I; WERMER SYNDROME; Endocrine adenomatosis multiple; MEN 1. Identifiers: Orphanet 652, MedGen C0025267, MeSH D018761, MONDO:0007540, OMIM 131100.

Submission:

Labcorp Genetics (formerly Invitae), Labcorp
Classification: Uncertain significance for Multiple endocrine neoplasia, type 1. Last evaluated: 2025-02-23. Review status: criteria provided, single submitter. Criteria: Invitae Variant Classification Sherloc (09022015). Collection method: clinical testing. Allele origin: germline.
Comment: This sequence change replaces threonine, which is neutral and polar, with isoleucine, which is neutral and non-polar, at codon 62 of the MEN1 protein (p.Thr62Ile). This variant is not present in population databases (gnomAD no frequency). This variant has not been reported in the literature in individuals affected with MEN1-related conditions. Invitae Evidence Modeling of protein sequence and biophysical properties (such as structural, functional, and spatial information, amino acid conservation, physicochemical variation, residue mobility, and thermodynamic stability) has been performed for this missense variant. However, the output from this modeling did not meet the statistical confidence thresholds required to predict the impact of this variant on MEN1 protein function. In summary, the available evidence is currently insufficient to determine the role of this variant in disease. Therefore, it has been classified as a Variant of Uncertain Significance.